The following is an entry in ClinVar:

ClinVar aggregate classification (germline): Uncertain significance. Review status: criteria provided, multiple submitters, no conflicts (2 of 4 stars). 5 submissions from 5 submitters: Uncertain significance (4). 1 of the submissions does not count toward it. Last evaluated 2026-09-09.

Conditions:
Retinitis pigmentosa (RP). Identifiers: Orphanet 791, MedGen C0035334, MeSH D012174, MONDO:0019200, OMIM 268000. Inheritance: Autosomal dominant, autosomal recessive and X linked inheritance.
EYS-related disorder. Also called: EYS-related condition.
Inborn genetic diseases. Identifiers: MedGen C0950123, MeSH D030342.

Allele frequency attached by ClinVar (database versions not stated): TOPMed 0.00003.
gnomAD v4.1: 9 of 1,551,056 alleles (0.00058%); highest among the groups gnomAD compares: African/African-American, 0.0014%; no homozygotes.

Submissions (5):

Ambry Genetics
Classification: Uncertain significance for Inborn genetic diseases. Last evaluated: 2026-09-09. Review status: criteria provided, single submitter. Criteria: Ambry Variant Classification Scheme 2023. Collection method: clinical testing. Allele origin: germline.

PreventionGenetics, part of Exact Sciences
Classification: Uncertain significance for EYS-related condition. Last evaluated: 2025-08-10. Review status: criteria provided, single submitter. Criteria: ACMG Guidelines, 2015. Collection method: clinical testing. Allele origin: germline.
Comment: The EYS c.8151G>T variant is predicted to result in the amino acid substitution p.Lys2717Asn. To our knowledge, this variant has not been reported in the literature. This variant is reported in 0.011% of alleles in individuals of African descent in gnomAD. At this time, the clinical significance of this variant is uncertain due to the absence of conclusive functional and genetic evidence.

Labcorp Genetics (formerly Invitae), Labcorp
Classification: Uncertain significance. Last evaluated: 2022-02-08. Review status: criteria provided, single submitter. Criteria: Invitae Variant Classification Sherloc (09022015). Collection method: clinical testing. Allele origin: germline.
Comment: This sequence change replaces lysine, which is basic and polar, with asparagine, which is neutral and polar, at codon 2717 of the EYS protein (p.Lys2717Asn). This variant is present in population databases (no rsID available, gnomAD 0.01%). This variant has not been reported in the literature in individuals affected with EYS-related conditions. ClinVar contains an entry for this variant (Variation ID: 843960). Algorithms developed to predict the effect of missense changes on protein structure and function (SIFT, PolyPhen-2, Align-GVGD) all suggest that this variant is likely to be tolerated. In summary, the available evidence is currently insufficient to determine the role of this variant in disease. Therefore, it has been classified as a Variant of Uncertain Significance.

Blueprint Genetics
Classification: Uncertain significance. Last evaluated: 2022-01-29. Review status: criteria provided, single submitter. Criteria: ACMG Guidelines, 2015. Collection method: clinical testing. Allele origin: germline.

Natera, Inc.
Classification: Uncertain significance for Retinitis pigmentosa. Last evaluated: 2020-09-16. Review status: no assertion criteria provided. Collection method: clinical testing. Allele origin: germline. Not counted in ClinVar's aggregate classification.

NM_001142800.2(EYS):c.8151G>T (p.Lys2717Asn)

Gene: EYS (EGF-like photoreceptor maintenance factor; minus strand). Cytogenetic location: 6q12.
Variant type: single nucleotide variant.
Coding change: c.8151G>T on transcript NM_001142800.2 (MANE Select); coding-DNA position 8151, G replaced by T.
Protein change: p.Lys2717Asn; replaces lysine 2717 with asparagine.
Molecular consequence: missense variant.
Genome position (GRCh38, 1-based): chr6:63,726,601, C>A on the plus strand (G>T on the coding strand, the complement: EYS is on the minus strand). VCF-style: chr6-63726601-C-A. GRCh37 (hg19) VCF-style: chr6-64436494-C-A.
Other names: c.8214G>T, p.Lys2738Asn (NM_001292009.2); short protein forms K2738N, K2717N.
Identifiers: ClinVar variation 843960 (VCV000843960.8), dbSNP rs983603381, ClinGen allele CA140237398.